The following is an entry in ClinVar:

NM_001184.4(ATR):c.7563T>G (p.Asn2521Lys)

Gene: ATR (ATR checkpoint kinase; minus strand). Cytogenetic location: 3q23.
Variant type: single nucleotide variant.
Coding change: c.7563T>G on transcript NM_001184.4 (MANE Select); coding-DNA position 7563, T replaced by G.
Protein change: p.Asn2521Lys; replaces asparagine 2521 with lysine.
Molecular consequence: missense variant.
Genome position (GRCh38, 1-based): chr3:142,457,696, A>C on the plus strand (T>G on the coding strand, the complement: ATR is on the minus strand). VCF-style: chr3-142457696-A-C. GRCh37 (hg19) VCF-style: chr3-142176538-A-C.
Other names: c.7371T>G, p.Asn2457Lys (NM_001354579.2); short protein forms N2521K, N2457K.
Identifiers: ClinVar variation 1759537 (VCV001759537.3), dbSNP rs766734738, ClinGen allele CA2649099.
Genomic context (GRCh38, chr3:142,457,696, plus strand): 5'-CCTCATTGTAACTTCACATGCTCTTCGAAAAAGACCCTCTGTTCCCATAGGACCCATTCC[A>C]TTAACCATATTATGAGTCAGGCGAAATGGCACAATTTCTGGAACTTCAAAGGTTTCTCCC-3'
Protein context (NP_001175.2, residues 2511-2531): VPFRLTHNMV[Asn2521Lys]GMGPMGTEGL

ClinVar aggregate classification (germline): Uncertain significance (1 of 4 stars; one submission).

Conditions:
Inborn genetic diseases. Identifiers: MedGen C0950123, MeSH D030342.

Allele frequency attached by ClinVar (database versions not stated): gnomAD exomes below 0.00001; TOPMed below 0.00001; ExAC 0.00002.
gnomAD v4.1: 4 of 1,614,058 alleles (0.00025%); highest among the groups gnomAD compares: Non-Finnish European, 0.00034%; no homozygotes.

Submission:

Ambry Genetics
Classification: Uncertain significance for Inborn genetic diseases. Last evaluated: 2024-07-26. Review status: criteria provided, single submitter. Criteria: Ambry Variant Classification Scheme 2023. Collection method: clinical testing. Allele origin: germline.
Comment: The p.N2521K variant (also known as c.7563T>G), located in coding exon 45 of the ATR gene, results from a T to G substitution at nucleotide position 7563. The asparagine at codon 2521 is replaced by lysine, an amino acid with similar properties. This amino acid position is conserved. In addition, this alteration is predicted to be tolerated by in silico analysis. Since supporting evidence is limited at this time, the clinical significance of this alteration remains unclear.